The following is an entry in ClinVar:

ClinVar aggregate classification (germline): Uncertain significance (1 of 4 stars; one submission).

Conditions:
Hereditary cancer-predisposing syndrome. Also called: Tumor predisposition; Neoplastic Syndromes, Hereditary; Hereditary Cancer Syndrome; Hereditary neoplastic syndrome. Identifiers: Orphanet 140162, MedGen C0027672, MeSH D009386, MONDO:0015356.

Submission:

Ambry Genetics
Classification: Uncertain significance for Hereditary cancer-predisposing syndrome. Last evaluated: 2026-02-25. Review status: criteria provided, single submitter. Criteria: Ambry Variant Classification Scheme 2023. Collection method: clinical testing. Allele origin: germline.
Comment: The p.Q278P variant (also known as c.833A>C), located in coding exon 7 of the APC gene, results from an A to C substitution at nucleotide position 833. The glutamine at codon 278 is replaced by proline, an amino acid with similar properties. This amino acid position is highly conserved in available vertebrate species.This nucleotide position is highly conserved in available vertebrate species. In silico splice site analysis predicts that this alteration will result in the creation or strengthening of a novel splice donor site. RNA studies have demonstrated that this variant results in an incomplete splice defect; the clinical impact of this abnormal splicing is unknown at this time (Ambry internal data). In silico predictors for missense impact for this gene do not accurately predict pathogenicity. In addition, missense variants in APC are not a common cause of disease (Spier I et al. Genet Med. 2024 Feb;26(2):100992). Based on the available evidence, the clinical significance of this variant remains unclear.

NM_000038.6(APC):c.833A>C (p.Gln278Pro)

Gene: APC (APC regulator of Wnt signaling pathway; plus strand). Cytogenetic location: 5q22.2.
Variant type: single nucleotide variant.
Coding change: c.833A>C on transcript NM_000038.6 (MANE Select); coding-DNA position 833, A replaced by C.
Protein change: p.Gln278Pro; replaces glutamine 278 with proline.
Molecular consequence: missense variant. On other transcripts: 5 prime UTR variant (1).
Genome position (GRCh38, 1-based): chr5:112,801,382, A>C. VCF-style: chr5-112801382-A-C. GRCh37 (hg19) VCF-style: chr5-112137079-A-C.
Other names: c.833A>C, p.Gln278Pro (NM_001127510.3, NM_001354895.2, NM_001354896.2 and 1 more transcripts); c.779A>C, p.Gln260Pro (NM_001127511.3); c.863A>C, p.Gln288Pro (NM_001354897.2, NM_001354902.2); c.758A>C, p.Gln253Pro (NM_001354898.2, NM_001354904.2); c.749A>C, p.Gln250Pro (NM_001354899.2); c.656A>C, p.Gln219Pro (NM_001354900.2, NM_001354901.2, NM_001354905.2); c.-203A>C (NM_001354906.2); short protein forms Q278P, Q250P, Q253P, Q288P, Q219P, Q260P.
Identifiers: ClinVar variation 822314 (VCV000822314.5), dbSNP rs1580455560, ClinGen allele CA16023149.